The following is an entry in ClinVar:

ClinVar aggregate classification (germline): Likely pathogenic. Review status: criteria provided, multiple submitters, no conflicts (2 of 4 stars). 3 submissions from 3 submitters: Likely pathogenic (3). Last evaluated 2026-01-20.

Conditions:
Wilson disease (WND). Also called: Wilson's disease. Identifiers: Orphanet 905, MedGen C0019202, MONDO:0010200, OMIM 277900. Disease mechanism: loss of function.

Allele frequency attached by ClinVar (database versions not stated): TOPMed below 0.00001.

Submissions (3):

Natera, Inc.
Classification: Likely pathogenic for Wilson disease. Last evaluated: 2026-01-20. Review status: criteria provided, single submitter. Criteria: Natera Variant Classification Schema (03/2026). Collection method: clinical testing. Allele origin: germline.
Comment: The c.2971A>G variant in ATP7B is a missense variant predicted to cause substitution of threonine to alanine at amino acid 991. This variant is rare in the general population with a frequency below the threshold expected for the associated phenotype(s). This variant has been observed in one or more individuals affected with the associated recessive disease, as either homozygous or compound heterozygous with a second variant (PMID: 33640437, 34400371). Computational prediction algorithms indicate this variant is likely to affect gene or protein function. Given the available evidence, this variant is classified as Likely Pathogenic.

Labcorp Genetics (formerly Invitae), Labcorp
Classification: Likely pathogenic for Wilson disease. Last evaluated: 2021-08-27. Review status: criteria provided, single submitter. Criteria: Invitae Variant Classification Sherloc (09022015). Collection method: clinical testing. Allele origin: germline.
Comment: This sequence change replaces threonine with alanine at codon 991 of the ATP7B protein (p.Thr991Ala). The threonine residue is highly conserved and there is a small physicochemical difference between threonine and alanine. In summary, the currently available evidence indicates that the variant is pathogenic, but additional data are needed to prove that conclusively. Therefore, this variant has been classified as Likely Pathogenic. This variant disrupts the p.Thr991 amino acid residue in ATP7B. Other variant(s) that disrupt this residue have been determined to be pathogenic (PMID: 16088907, 23518715, 26275891; Invitae). This suggests that this residue is clinically significant, and that variants that disrupt this residue are likely to be disease-causing. Advanced modeling of protein sequence and biophysical properties (such as structural, functional, and spatial information, amino acid conservation, physicochemical variation, residue mobility, and thermodynamic stability) performed at Invitae indicates that this missense variant is expected to disrupt ATP7B protein function. ClinVar contains an entry for this variant (Variation ID: 1172921). This variant has not been reported in the literature in individuals affected with ATP7B-related conditions. This variant is not present in population databases (ExAC no frequency).

Inborn Errors of Metabolism Laboratory, Hospices Civils de Lyon
Classification: Likely pathogenic for Wilson disease. Last evaluated: 2021-06-01. Review status: criteria provided, single submitter. Criteria: ACMG Guidelines, 2015. Collection method: clinical testing. Allele origin: germline. Affected: yes. Observed: 1 variant allele.

Literature cited by the submitters: PubMed 33640437 (cited by Natera, Inc.); PubMed 34400371 (cited by Natera, Inc.); PubMed 16088907 (cited by Labcorp Genetics (formerly Invitae), Labcorp); PubMed 23518715 (cited by Labcorp Genetics (formerly Invitae), Labcorp); PubMed 26275891 (cited by Labcorp Genetics (formerly Invitae), Labcorp).

NM_000053.4(ATP7B):c.2971A>G (p.Thr991Ala)

Gene: ATP7B (ATPase copper transporting beta; minus strand). Cytogenetic location: 13q14.3.
Variant type: single nucleotide variant.
Coding change: c.2971A>G on transcript NM_000053.4 (MANE Select); coding-DNA position 2971, A replaced by G.
Protein change: p.Thr991Ala; replaces threonine 991 with alanine.
Molecular consequence: missense variant.
Genome position (GRCh38, 1-based): chr13:51,946,373, T>C on the plus strand (A>G on the coding strand, the complement: ATP7B is on the minus strand). VCF-style: chr13-51946373-T-C. GRCh37 (hg19) VCF-style: chr13-52520509-T-C.
Other names: c.2350A>G, p.Thr784Ala (NM_001005918.3); c.2638A>G, p.Thr880Ala (NM_001243182.2); c.2737A>G, p.Thr913Ala (NM_001330578.2); c.2719A>G, p.Thr907Ala (NM_001330579.2); short protein forms T784A, T880A, T907A, T913A, T991A.
Identifiers: ClinVar variation 1172921 (VCV001172921.8), dbSNP rs1476409946, ClinGen allele CA388032231.